The following is an entry in ClinVar:

ClinVar aggregate classification (germline): Uncertain significance (1 of 4 stars; one submission).

Conditions:
Long QT syndrome (LQTS). Identifiers: MedGen C0023976, MeSH D008133, MONDO:0002442. Disease mechanism: loss of function. Inheritance: Various modes of inheritance.

Submission:

Labcorp Genetics (formerly Invitae), Labcorp
Classification: Uncertain significance for Long QT syndrome. Last evaluated: 2023-01-31. Review status: criteria provided, single submitter. Criteria: Invitae Variant Classification Sherloc (09022015). Collection method: clinical testing. Allele origin: germline.
Comment: ClinVar contains an entry for this variant (Variation ID: 1405449). This missense change has been observed in individual(s) with clinical features of KCNQ1-related conditions (PMID: 29851656). This variant is not present in population databases (gnomAD no frequency). This sequence change replaces arginine, which is basic and polar, with leucine, which is neutral and non-polar, at codon 192 of the KCNQ1 protein (p.Arg192Leu). Advanced modeling of protein sequence and biophysical properties (such as structural, functional, and spatial information, amino acid conservation, physicochemical variation, residue mobility, and thermodynamic stability) performed at Invitae indicates that this missense variant is expected to disrupt KCNQ1 protein function. In summary, the available evidence is currently insufficient to determine the role of this variant in disease. Therefore, it has been classified as a Variant of Uncertain Significance.

Literature cited by the submitters: PubMed 29851656.

NM_000218.3(KCNQ1):c.575G>T (p.Arg192Leu)

Gene: KCNQ1 (potassium voltage-gated channel subfamily Q member 1; plus strand). Cytogenetic location: 11p15.5.
Variant type: single nucleotide variant.
Coding change: c.575G>T on transcript NM_000218.3 (MANE Select); coding-DNA position 575, G replaced by T.
Protein change: p.Arg192Leu; replaces arginine 192 with leucine.
Molecular consequence: missense variant.
Genome position (GRCh38, 1-based): chr11:2,570,725, G>T. VCF-style: chr11-2570725-G-T. GRCh37 (hg19) VCF-style: chr11-2591955-G-T.
Other names: c.575G>T, p.Arg192Leu (NM_001406836.1); c.305G>T, p.Arg102Leu (NM_001406837.1); c.194G>T, p.Arg65Leu (NM_181798.2); short protein forms R192L, R65L, R102L.
Identifiers: ClinVar variation 1405449 (VCV001405449.7), dbSNP rs199472698, ClinGen allele CA379129988.
Genomic context (GRCh38, chr11:2,570,725, plus strand): 5'-TGGTCCGCCTCTGGTCCGCCGGCTGCCGCAGCAAGTACGTGGGCCTCTGGGGGCGGCTGC[G>T]CTTTGCCCGGAAGCCCATTTCCATCATCGGTGAGTCATGCCTGCCCTGTGGAGGTCACGC-3'
Protein context (NP_000209.2, residues 182-202): SKYVGLWGRL[Arg192Leu]FARKPISIID